The following is an entry in ClinVar:

ClinVar aggregate classification (germline): Uncertain significance (1 of 4 stars; one submission).

Conditions:
Hypertrophic cardiomyopathy 2. Also called: TNNT2-Related Familial Hypertrophic Cardiomyopathy. Identifiers: MedGen C1861864, MONDO:0007266, OMIM 115195.
Dilated cardiomyopathy 1D. Identifiers: Orphanet 154, Orphanet 54260, MedGen C1832243, MONDO:0011095, OMIM 601494.
Cardiomyopathy, familial restrictive, 3. Identifiers: Orphanet 75249, MedGen C2676271, MONDO:0012900, OMIM 612422.

gnomAD v4.1: 2 of 1,614,136 alleles (0.00012%); highest among the groups gnomAD compares: Non-Finnish European, 0.00017%; no homozygotes.

Submission:

Labcorp Genetics (formerly Invitae), Labcorp
Classification: Uncertain significance for Cardiomyopathy, familial restrictive, 3; Hypertrophic cardiomyopathy 2; Dilated cardiomyopathy 1D. Last evaluated: 2025-11-23. Review status: criteria provided, single submitter. Criteria: Invitae Variant Classification Sherloc (09022015). Collection method: clinical testing. Allele origin: germline.
Comment: This sequence change replaces glutamic acid, which is acidic and polar, with aspartic acid, which is acidic and polar, at codon 47 of the TNNT2 protein (p.Glu47Asp). This variant is not present in population databases (gnomAD no frequency). This variant has not been reported in the literature in individuals affected with TNNT2-related conditions. Invitae Evidence Modeling of protein sequence and biophysical properties (such as structural, functional, and spatial information, amino acid conservation, physicochemical variation, residue mobility, and thermodynamic stability) indicates that this missense variant is not expected to disrupt TNNT2 protein function with a negative predictive value of 80%. In summary, the available evidence is currently insufficient to determine the role of this variant in disease. Therefore, it has been classified as a Variant of Uncertain Significance.

NM_001276345.2(TNNT2):c.171A>C (p.Glu57Asp)

Gene: TNNT2 (troponin T2, cardiac type; minus strand). Cytogenetic location: 1q32.1.
Variant type: single nucleotide variant.
Coding change: c.171A>C on transcript NM_001276345.2 (MANE Select); coding-DNA position 171, A replaced by C.
Protein change: p.Glu57Asp; replaces glutamic acid 57 with aspartic acid.
Molecular consequence: missense variant.
Genome position (GRCh38, 1-based): chr1:201,367,799, T>G on the plus strand (A>C on the coding strand, the complement: TNNT2 is on the minus strand). VCF-style: chr1-201367799-T-G. GRCh37 (hg19) VCF-style: chr1-201336927-T-G.
Other names: c.171A>C, p.Glu57Asp (NM_000364.4, NM_001406723.1); c.141A>C, p.Glu47Asp (NM_001001430.3, NM_001001431.3, NM_001276347.2 and 3 more transcripts); c.126A>C, p.Glu42Asp (NM_001001432.3, NM_001406728.1); c.168A>C, p.Glu56Asp (NM_001276346.2); c.138A>C, p.Glu46Asp (NM_001406725.1); short protein forms E57D, E42D, E47D, E56D, E46D.
Identifiers: ClinVar variation 4794717 (VCV004794717.1).